The following is an entry in ClinVar:

ClinVar aggregate classification (germline): Pathogenic. Review status: no assertion criteria provided (0 of 4 stars). 2 submissions from 2 submitters: Pathogenic (2). Last evaluated 2025-11-06.

Conditions:
X-linked intellectual disability, van Esch type. Also called: Van Esch-O'Driscoll syndrome; MENTAL RETARDATION, X-LINKED, SYNDROMIC, VAN ESCH-O''DRISCOLL TYPE. Identifiers: Orphanet 163976, MedGen C4305072, MONDO:0015601, OMIM 301030.

Submissions (2):

OMIM
Classification: Pathogenic for VAN ESCH-O'DRISCOLL SYNDROME. Last evaluated: 2025-11-06. Review status: no assertion criteria provided. Collection method: literature only. Allele origin: germline.

Center for Human Genetics, University of Leuven
Classification: Pathogenic for X-linked intellectual disability, Van Esch type. Last evaluated: 2019-02-01. Review status: no assertion criteria provided. Collection method: research. Allele origin: de novo. Affected: yes. Observed: 1 variant allele.
Comment: We performed segregation analysis, X-inactivation studies, Western blot and functional studies that support a clear pathogenic effect.

Literature cited by the submitters: PubMed 31006512 (cited by OMIM and Center for Human Genetics, University of Leuven).

NM_016937.3(POLA1):c.445_507del

Gene: POLA1 (DNA polymerase alpha 1, catalytic subunit; plus strand). Cytogenetic location: Xp22.11.
Variant type: Deletion.
Coding change: c.445_507del on transcript NM_016937.3; coding-DNA positions 445 to 507, 63 bases deleted.
Genome position (GRCh38, 1-based): chrX:24,715,141-24,715,203, 63 bases deleted. GRCh37 (hg19): chrX:24,733,258-24,733,320.
Other names: EX6DEL.
Identifiers: ClinVar variation 627635 (VCV000627635.6), dbSNP rs1569277866, ClinGen allele CA913190695.